The following is an entry in ClinVar:

NM_001378454.1(ALMS1):c.8129del (p.Lys2710fs)

Gene: ALMS1 (ALMS1 centrosome and basal body associated protein; plus strand). Cytogenetic location: 2p13.1.
Variant type: Deletion.
Coding change: c.8129del on transcript NM_001378454.1 (MANE Select); coding-DNA position 8129, one base deleted (A; older notation c.8129delA).
Protein change: p.Lys2710fs; shifts the reading frame from lysine 2710.
Molecular consequence: frameshift variant.
Genome position (GRCh38, 1-based): chr2:73,490,088, A deleted; the last of 5 consecutive A bases (chr2:73,490,084-73,490,088); deleting any one gives the same sequence. VCF-style (leftmost placement, unchanged base first): chr2-73490083-GA-G. GRCh37 (hg19) VCF-style: chr2-73717210-GA-G.
Other names: c.8132del, p.Lys2711fs (NM_015120.4); short protein forms K2711fs, K2710fs.
Identifiers: ClinVar variation 2028616 (VCV002028616.4), dbSNP rs2466214267, ClinGen allele CA2580068233.
Genomic context (GRCh38, chr2:73,490,083, plus strand): 5'-TGTGCCACCTAAAGAAGTGGATTTTCATTCTTCATCACAAATGCCGTCCCCAGAACCCAT[GA>G]AAAAGTTTACTACCTCCATCACTTTTTCATCTCACCGACATTCTAAATGCATTTCCAATT-3'

ClinVar aggregate classification (germline): Pathogenic (1 of 4 stars; one submission).

Conditions:
Alstrom syndrome (ALMS). Identifiers: Orphanet 64, MedGen C0268425, MONDO:0008763, OMIM 203800.

Submission:

Labcorp Genetics (formerly Invitae), Labcorp
Classification: Pathogenic for Alstrom syndrome. Last evaluated: 2022-09-12. Review status: criteria provided, single submitter. Criteria: Invitae Variant Classification Sherloc (09022015). Collection method: clinical testing. Allele origin: germline.
Comment: For these reasons, this variant has been classified as Pathogenic. This variant has not been reported in the literature in individuals affected with ALMS1-related conditions. This variant is not present in population databases (gnomAD no frequency). This sequence change creates a premature translational stop signal (p.Lys2711Serfs*76) in the ALMS1 gene. It is expected to result in an absent or disrupted protein product. Loss-of-function variants in ALMS1 are known to be pathogenic (PMID: 17594715).

Literature cited by the submitters: PubMed 17594715.